The following is an entry in ClinVar:

NM_000322.5(PRPH2):c.643A>T (p.Asn215Tyr)

Gene: PRPH2 (peripherin 2; minus strand). Cytogenetic location: 6p21.1.
Variant type: single nucleotide variant.
Coding change: c.643A>T on transcript NM_000322.5 (MANE Select); coding-DNA position 643, A replaced by T.
Protein change: p.Asn215Tyr; replaces asparagine 215 with tyrosine.
Molecular consequence: missense variant.
Genome position (GRCh38, 1-based): chr6:42,704,550, T>A on the plus strand (A>T on the coding strand, the complement: PRPH2 is on the minus strand). VCF-style: chr6-42704550-T-A. GRCh37 (hg19) VCF-style: chr6-42672288-T-A.
Other names: short protein forms N215Y.
Identifiers: ClinVar variation 1175293 (VCV001175293.10), dbSNP rs2152005339, ClinGen allele CA364135557.

ClinVar aggregate classification (germline): Pathogenic/Likely pathogenic. Review status: criteria provided, multiple submitters, no conflicts (2 of 4 stars). 3 submissions from 3 submitters: Pathogenic (1); Likely pathogenic (1). 1 of the submissions does not count toward it. Last evaluated 2022-03-22.

Conditions:
PRPH2-related disorder. Also called: PRPH2-related condition; PRPH2-related disorders. Identifiers: MedGen CN239395.

Submissions (3):

Blueprint Genetics
Classification: Likely pathogenic for PRPH2-related disorders. Last evaluated: 2022-03-22. Review status: criteria provided, single submitter. Criteria: ACMG Guidelines, 2015. Collection method: clinical testing. Allele origin: germline. Affected: yes. Observed: 1 variant allele.

Labcorp Genetics (formerly Invitae), Labcorp
Classification: Pathogenic for PRPH2-related disorder. Last evaluated: 2022-02-05. Review status: criteria provided, single submitter. Criteria: Invitae Variant Classification Sherloc (09022015). Collection method: clinical testing. Allele origin: germline.
Comment: This sequence change replaces asparagine, which is neutral and polar, with tyrosine, which is neutral and polar, at codon 215 of the PRPH2 protein (p.Asn215Tyr). This variant is not present in population databases (gnomAD no frequency). This missense change has been observed in individuals with autosomal dominant inherited retinal dystrophy (PMID: 29847639; Invitae). ClinVar contains an entry for this variant (Variation ID: 1175293). Advanced modeling of protein sequence and biophysical properties (such as structural, functional, and spatial information, amino acid conservation, physicochemical variation, residue mobility, and thermodynamic stability) performed at Invitae indicates that this missense variant is expected to disrupt PRPH2 protein function. This variant disrupts the p.Asn215 amino acid residue in PRPH2. Other variant(s) that disrupt this residue have been determined to be pathogenic (PMID: 25472526; Invitae). This suggests that this residue is clinically significant, and that variants that disrupt this residue are likely to be disease-causing. For these reasons, this variant has been classified as Pathogenic.

Leiden Open Variation Database
Classification: Likely pathogenic. Last evaluated: 2021-04-06. Review status: no assertion criteria provided. Collection method: curation. Allele origin: germline. Affected: yes. Not counted in ClinVar's aggregate classification.
Comment: Curator: Global Variome, with Curator vacancy. Submitter to LOVD: Manon Peeters.

Literature cited by the submitters: PubMed 29847639 (cited by Labcorp Genetics (formerly Invitae), Labcorp and Leiden Open Variation Database); PubMed 25472526 (cited by Labcorp Genetics (formerly Invitae), Labcorp).